The following is an entry in ClinVar:

ClinVar aggregate classification (germline): Uncertain significance (1 of 4 stars; one submission).

Conditions:
Juvenile polyposis syndrome (JPS). Identifiers: Orphanet 2929, MedGen C0345893, MONDO:0017380, OMIM 174900.

Submission:

Labcorp Genetics (formerly Invitae), Labcorp
Classification: Uncertain significance for Juvenile polyposis syndrome. Last evaluated: 2025-09-25. Review status: criteria provided, single submitter. Criteria: Invitae Variant Classification Sherloc (09022015). Collection method: clinical testing. Allele origin: germline.
Comment: This sequence change replaces glycine, which is neutral and non-polar, with glutamic acid, which is acidic and polar, at codon 105 of the BMPR1A protein (p.Gly105Glu). This variant is not present in population databases (gnomAD no frequency). This variant has not been reported in the literature in individuals affected with BMPR1A-related conditions. ClinVar contains an entry for this variant (Variation ID: 835808). Invitae Evidence Modeling of protein sequence and biophysical properties (such as structural, functional, and spatial information, amino acid conservation, physicochemical variation, residue mobility, and thermodynamic stability) indicates that this missense variant is expected to disrupt BMPR1A protein function with a positive predictive value of 80%. In summary, the available evidence is currently insufficient to determine the role of this variant in disease. Therefore, it has been classified as a Variant of Uncertain Significance.

NM_004329.3(BMPR1A):c.314G>A (p.Gly105Glu)

Gene: BMPR1A (bone morphogenetic protein receptor type 1A; plus strand). Cytogenetic location: 10q23.2.
Variant type: single nucleotide variant.
Coding change: c.314G>A on transcript NM_004329.3 (MANE Select); coding-DNA position 314, G replaced by A.
Protein change: p.Gly105Glu; replaces glycine 105 with glutamic acid.
Molecular consequence: missense variant.
Genome position (GRCh38, 1-based): chr10:86,892,210, G>A. VCF-style: chr10-86892210-G-A. GRCh37 (hg19) VCF-style: chr10-88651967-G-A.
Other names: short protein forms G105E.
Identifiers: ClinVar variation 835808 (VCV000835808.10), dbSNP rs1843161877, ClinGen allele CA377448278.